The following is an entry in ClinVar:

NM_138691.3(TMC1):c.2003+1G>A

Gene: TMC1 (transmembrane channel like 1; plus strand). Cytogenetic location: 9q21.13.
Variant type: single nucleotide variant.
Coding change: c.2003+1G>A on transcript NM_138691.3 (MANE Select); the canonical splice donor site of the intron after coding-DNA position 2003, G replaced by A.
Molecular consequence: splice donor variant.
Genome position (GRCh38, 1-based): chr9:72,821,082, G>A. VCF-style: chr9-72821082-G-A. GRCh37 (hg19) VCF-style: chr9-75435998-G-A.
Identifiers: ClinVar variation 4845767 (VCV004845767.1).

ClinVar aggregate classification (germline): Likely pathogenic (1 of 4 stars; one submission).

Conditions:
Autosomal recessive nonsyndromic hearing loss 7. Also called: DEAFNESS, AUTOSOMAL RECESSIVE 11. Identifiers: Orphanet 90636, MedGen C1832978, MONDO:0010967, OMIM 600974.

Submission:

First Genomix Gene Laboratory, Genetic Diagnostics Department
Classification: Likely pathogenic for Autosomal recessive nonsyndromic hearing loss 7. Last evaluated: 2025-03-20. Review status: criteria provided, single submitter. Criteria: ACMG Guidelines, 2015. Collection method: clinical testing. Allele origin: germline. Inheritance: Autosomal recessive inheritance. Affected: no. Observed: 1 variant allele.